The following is an entry in ClinVar:

NC_000013.11:g.(?_48376908)_(48380094_?)del

Gene: RB1 (RB transcriptional corepressor 1; plus strand). Cytogenetic location: 13q14.2.
Variant type: Deletion.
Identifiers: ClinVar variation 650696 (VCV000650696.5).

ClinVar aggregate classification (germline): Pathogenic (1 of 4 stars; one submission).

Conditions:
Retinoblastoma (RB1). Also called: RETINOBLASTOMA, SOMATIC. Identifiers: Orphanet 790, MedGen C0035335, MeSH D012175, MONDO:0008380, OMIM 180200, HP:0009919. Disease mechanism: loss of function. Inheritance: Both sporadic and heritable forms are tested..

Submission:

Labcorp Genetics (formerly Invitae), Labcorp
Classification: Pathogenic for Retinoblastoma. Last evaluated: 2018-10-11. Review status: criteria provided, single submitter. Criteria: Invitae Variant Classification Sherloc (09022015). Collection method: clinical testing. Allele origin: germline.
Comment: This variant is an out-of-frame deletion of the genomic region encompassing exons 13-15 of the RB1 gene. This is expected to create a premature translational stop signal and result in an absent or disrupted protein product. Similar deletion of exons 13-15 has not been reported in the literature in individuals with RB1-related disease. For these reasons, this variant has been classified as Pathogenic. Loss-of-function variants in RB1 are known to be pathogenic (PMID: 17096365).

Literature cited by the submitters: PubMed 17096365.